The following is an entry in ClinVar:

NM_032638.5(GATA2):c.175T>A (p.Tyr59Asn)

Gene: GATA2 (GATA binding protein 2; minus strand). Cytogenetic location: 3q21.3.
Variant type: single nucleotide variant.
Coding change: c.175T>A on transcript NM_032638.5 (MANE Select); coding-DNA position 175, T replaced by A.
Protein change: p.Tyr59Asn; replaces tyrosine 59 with asparagine.
Molecular consequence: missense variant.
Genome position (GRCh38, 1-based): chr3:128,486,857, A>T on the plus strand (T>A on the coding strand, the complement: GATA2 is on the minus strand). VCF-style: chr3-128486857-A-T. GRCh37 (hg19) VCF-style: chr3-128205700-A-T.
Other names: c.175T>A, p.Tyr59Asn (NM_001145661.2, NM_001145662.1); short protein forms Y59N.
Identifiers: ClinVar variation 1810131 (VCV001810131.2), dbSNP rs2068707978, ClinGen allele CA354408463.

ClinVar aggregate classification (germline): Uncertain significance. Review status: criteria provided, multiple submitters, no conflicts (2 of 4 stars). 2 submissions from 2 submitters: Uncertain significance (2). Last evaluated 2022-06-29.

Conditions:
Myelodysplastic syndrome (MDS). Also called: Myelodysplastic syndromes; MYELODYSPLASTIC SYNDROME, SUSCEPTIBILITY TO; Myelodysplastic syndrome, somatic. Identifiers: Orphanet 52688, MedGen C3463824, MeSH D009190, MONDO:0018881, OMIM 614286.

Allele frequency attached by ClinVar (database versions not stated): gnomAD exomes below 0.00001; gnomAD 0.00001.
gnomAD v4.1: 2 of 1,612,260 alleles (0.00012%); highest among the groups gnomAD compares: Non-Finnish European, 0.00017%; no homozygotes.

Submissions (2):

GeneDx
Classification: Uncertain significance. Last evaluated: 2022-06-29. Review status: criteria provided, single submitter. Criteria: GeneDx Variant Classification Process June 2021. Collection method: clinical testing. Allele origin: germline. Affected: yes.
Comment: Not observed at significant frequency in large population cohorts (gnomAD); In silico analysis supports that this missense variant has a deleterious effect on protein structure/function; Has not been previously published as pathogenic or benign to our knowledge

Center for Precision Genome Editing and Genetic Technologies for Biomedicine, Pirogov Russian National Research Medical University
Classification: Uncertain significance for Myelodysplastic syndrome. Review status: criteria provided, single submitter. Criteria: ACMG Guidelines, 2015. Collection method: clinical testing. Allele origin: unknown. Inheritance: Autosomal dominant inheritance. Observed: 1 heterozygote.
Comment: This is a missense variant that results in an amino acid substitution. It has been observed in gnomAD with a frequency of 0.000001240, fulfilling the PM2 criterion. Pathogenicity prediction programs BayesDel addAF and BayesDel noAF classify this variant as pathogenic, supporting the PP3 criterion. Based on the applied ACMG/AMP criteria (PM2, PP3), this variant is classified as a Variant of Uncertain Significance (VUS).